The following is an entry in ClinVar:

NM_024120.5(NDUFAF5):c.552dup (p.Ile185fs)

Gene: NDUFAF5 (NADH:ubiquinone oxidoreductase complex assembly factor 5; plus strand). Cytogenetic location: 20p12.1.
Variant type: Duplication.
Coding change: c.552dup on transcript NM_024120.5 (MANE Select); coding-DNA position 552, one base duplicated (T; older notation c.552dupT).
Protein change: p.Ile185fs; shifts the reading frame from isoleucine 185.
Molecular consequence: frameshift variant. On other transcripts: 5 prime UTR variant (2), non-coding transcript variant (7).
Genome position (GRCh38, 1-based): chr20:13,801,518, T duplicated; the last of 3 consecutive T bases (chr20:13,801,516-13,801,518); duplicating any one gives the same sequence. VCF-style (leftmost placement, unchanged base first): chr20-13801515-G-GT. GRCh37 (hg19) VCF-style: chr20-13782161-G-GT.
Other names: c.552dupT (NM_024120.5); c.468dup, p.Ile157fs (NM_001039375.3); c.81dup, p.Ile28fs (NM_001352403.2); c.-10dup (NM_001352406.2, NM_001352407.2); c.552dup, p.Ile185fs (NM_001352408.2); short protein forms I157fs, I185fs, I28fs.
Identifiers: ClinVar variation 2676970 (VCV002676970.6), dbSNP rs2516186898, ClinGen allele CA2695201384.
Genomic context (GRCh38, chr20:13,801,515, plus strand): 5'-GAATCATTTTGTTTTCTTGTATTTATTACAGATTCATTATATTTTAAAACCAGATGGAGT[G>GT]TTTATCGGTGCAATGTTTGGAGGCGACACACTCTATGAACTTCGGTGTTCCTTACAGTTA-3'

ClinVar aggregate classification (germline): Pathogenic/Likely pathogenic. Review status: criteria provided, multiple submitters, no conflicts (2 of 4 stars). 4 submissions from 4 submitters: Pathogenic (2); Likely pathogenic (2). Last evaluated 2025-10-14.

Conditions:
Mitochondrial complex I deficiency, nuclear type 16. Also called: Mitochondrial complex 1 deficiency, nuclear type 16. Identifiers: MedGen C4748785, MONDO:0032621, OMIM 618238.
Leigh syndrome (NULS). Also called: Leigh's syndrome; Leigh Disease; Subacute necrotizing encephalopathy; Necrotizing encephalopathy infantile subacute of Leigh; LEIGH SYNDROME, NUCLEAR; Leigh's necrotizing encephalopathy. Identifiers: Orphanet 506, MedGen C2931891, MONDO:0009723, OMIM 256000.

Submissions (4):

Women's Health and Genetics/Laboratory Corporation of America, LabCorp
Classification: Pathogenic for Leigh syndrome. Last evaluated: 2025-10-14. Review status: criteria provided, single submitter. Criteria: LabCorp Variant Classification Summary - May 2015. Collection method: clinical testing. Allele origin: germline.
Comment: Variant summary: NDUFAF5 c.552dupT (p.Ile185TyrfsX12) results in a premature termination codon, predicted to cause a truncation of the encoded protein or absence of the protein due to nonsense mediated decay, which are commonly known mechanisms for disease. The variant was absent in 251138 control chromosomes. To our knowledge, no occurrence of c.552dupT in individuals affected with NDUFAF5-related conditions and no experimental evidence demonstrating its impact on protein function have been reported. ClinVar contains an entry for this variant (Variation ID: 2676970). Based on the evidence outlined above, the variant was classified as pathogenic.

Fulgent Genetics
Classification: Likely pathogenic for Mitochondrial complex I deficiency, nuclear type 16. Last evaluated: 2024-05-02. Review status: criteria provided, single submitter. Criteria: ACMG Guidelines, 2015. Collection method: clinical testing. Allele origin: germline.

Baylor Genetics
Classification: Likely pathogenic for Mitochondrial complex I deficiency, nuclear type 16. Last evaluated: 2023-09-12. Review status: criteria provided, single submitter. Criteria: ACMG Guidelines, 2015. Collection method: clinical testing. Allele origin: unknown.

Labcorp Genetics (formerly Invitae), Labcorp
Classification: Pathogenic. Last evaluated: 2023-07-29. Review status: criteria provided, single submitter. Criteria: Invitae Variant Classification Sherloc (09022015). Collection method: clinical testing. Allele origin: germline.
Comment: For these reasons, this variant has been classified as Pathogenic. This variant is not present in population databases (gnomAD no frequency). This variant has not been reported in the literature in individuals affected with NDUFAF5-related conditions. This sequence change creates a premature translational stop signal (p.Ile185Tyrfs*12) in the NDUFAF5 gene. It is expected to result in an absent or disrupted protein product. Loss-of-function variants in NDUFAF5 are known to be pathogenic (PMID: 26275793, 30473481, 32918965).

Literature cited by the submitters: PubMed 26275793 (cited by Labcorp Genetics (formerly Invitae), Labcorp); PubMed 30473481 (cited by Labcorp Genetics (formerly Invitae), Labcorp); PubMed 32918965 (cited by Labcorp Genetics (formerly Invitae), Labcorp).